The following is an entry in ClinVar:

NM_032108.4(SEMA6B):c.2025del (p.Pro677fs)

Gene: SEMA6B (semaphorin 6B; minus strand). Cytogenetic location: 19p13.3.
Variant type: Deletion.
Coding change: c.2025del on transcript NM_032108.4 (MANE Select); coding-DNA position 2025, one base deleted (T; older notation c.2025delT).
Protein change: p.Pro677fs; shifts the reading frame from proline 677.
Molecular consequence: frameshift variant.
Genome position (GRCh38, 1-based): chr19:4,544,243, A deleted on the plus strand (T on the coding strand, the reverse complement: SEMA6B is on the minus strand); the first of 2 consecutive A bases (chr19:4,544,243-4,544,244); deleting either gives the same sequence. VCF-style (leftmost placement, unchanged base first): chr19-4544242-GA-G. GRCh37 (hg19) VCF-style: chr19-4544254-GA-G.
Other names: short protein forms P677fs.
Identifiers: ClinVar variation 4540041 (VCV004540041.1).

ClinVar aggregate classification (germline): Likely pathogenic (1 of 4 stars; one submission).

Submission:

GeneDx
Classification: Likely pathogenic. Last evaluated: 2025-06-23. Review status: criteria provided, single submitter. Criteria: GeneDx Variant Classification Process June 2021. Collection method: clinical testing. Allele origin: germline. Affected: yes.
Comment: Has not been previously published as pathogenic or benign to our knowledge; Frameshift variant predicted to result in abnormal protein length as the last 212 amino acid(s) are replaced with 7 different amino acid(s), and other similar variants have been reported in HGMD; Not observed at significant frequency in large population cohorts (gnomAD)